The following is an entry in ClinVar:

NM_003640.5(ELP1):c.3855+2T>G

Gene: ELP1 (elongator acetyltransferase complex subunit 1; minus strand). Cytogenetic location: 9q31.3.
Variant type: single nucleotide variant.
Coding change: c.3855+2T>G on transcript NM_003640.5 (MANE Select); the canonical splice donor site of the intron after coding-DNA position 3855, T replaced by G.
Molecular consequence: splice donor variant.
Genome position (GRCh38, 1-based): chr9:108,877,993, A>C on the plus strand (T>G on the coding strand, the complement: ELP1 is on the minus strand). VCF-style: chr9-108877993-A-C. GRCh37 (hg19) VCF-style: chr9-111640273-A-C.
Other names: c.3513+2T>G (NM_001318360.2); c.2808+2T>G (NM_001330749.2).
Identifiers: ClinVar variation 1068271 (VCV001068271.9), dbSNP rs2118933859, ClinGen allele CA374410514.

ClinVar aggregate classification (germline): Likely pathogenic. Review status: criteria provided, multiple submitters, no conflicts (2 of 4 stars). 3 submissions from 3 submitters: Likely pathogenic (2). 1 of the submissions does not count toward it. Last evaluated 2025-01-13.

Conditions:
Familial dysautonomia. Also called: HSAN III; FD. Identifiers: Orphanet 1764, MedGen C0013364, MONDO:0009131, OMIM 223900. Disease mechanism: loss of function.

Allele frequency attached by ClinVar (database versions not stated): gnomAD exomes below 0.00001.
gnomAD v4.1: 1 of 1,614,204 alleles (0.000062%); highest among the groups gnomAD compares: Non-Finnish European, 0.000085%; no homozygotes.

Submissions (3):

Revvity Omics, Revvity
Classification: Likely pathogenic for Familial dysautonomia. Last evaluated: 2025-01-13. Review status: criteria provided, single submitter. Criteria: ACMG Guidelines, 2015. Collection method: clinical testing. Allele origin: germline.

Labcorp Genetics (formerly Invitae), Labcorp
Classification: Likely pathogenic. Last evaluated: 2023-12-09. Review status: criteria provided, single submitter. Criteria: Invitae Variant Classification Sherloc (09022015). Collection method: clinical testing. Allele origin: germline.
Comment: This sequence change affects a donor splice site in intron 35 of the ELP1 gene. It is expected to disrupt RNA splicing. Variants that disrupt the donor or acceptor splice site typically lead to a loss of protein function (PMID: 16199547), and loss-of-function variants in ELP1 are known to be pathogenic (PMID: 18303054, 24173031). This variant is not present in population databases (gnomAD no frequency). This variant has not been reported in the literature in individuals affected with ELP1-related conditions. ClinVar contains an entry for this variant (Variation ID: 1068271). Algorithms developed to predict the effect of sequence changes on RNA splicing suggest that this variant may disrupt the consensus splice site. In summary, the currently available evidence indicates that the variant is pathogenic, but additional data are needed to prove that conclusively. Therefore, this variant has been classified as Likely Pathogenic.

Natera, Inc.
Classification: Likely pathogenic for Familial dysautonomia. Last evaluated: 2020-04-09. Review status: no assertion criteria provided. Collection method: clinical testing. Allele origin: germline. Not counted in ClinVar's aggregate classification.

Literature cited by the submitters: PubMed 16199547 (cited by Labcorp Genetics (formerly Invitae), Labcorp); PubMed 18303054 (cited by Labcorp Genetics (formerly Invitae), Labcorp); PubMed 24173031 (cited by Labcorp Genetics (formerly Invitae), Labcorp).